The following is an entry in ClinVar:

ClinVar aggregate classification (germline): Uncertain significance (1 of 4 stars; one submission).

Conditions:
Wilson disease (WND). Also called: Wilson's disease. Identifiers: Orphanet 905, MedGen C0019202, MONDO:0010200, OMIM 277900. Disease mechanism: loss of function.

Allele frequency attached by ClinVar (database versions not stated): ExAC 0.00001.

Submission:

Labcorp Genetics (formerly Invitae), Labcorp
Classification: Uncertain significance for Wilson disease. Last evaluated: 2024-05-20. Review status: criteria provided, single submitter. Criteria: Invitae Variant Classification Sherloc (09022015). Collection method: clinical testing. Allele origin: germline.
Comment: This sequence change replaces glycine, which is neutral and non-polar, with glutamic acid, which is acidic and polar, at codon 330 of the ATP7B protein (p.Gly330Glu). This variant is present in population databases (rs754672590, gnomAD 0.003%). This variant has not been reported in the literature in individuals affected with ATP7B-related conditions. ClinVar contains an entry for this variant (Variation ID: 2146315). Advanced modeling of protein sequence and biophysical properties (such as structural, functional, and spatial information, amino acid conservation, physicochemical variation, residue mobility, and thermodynamic stability) performed at Invitae indicates that this missense variant is not expected to disrupt ATP7B protein function with a negative predictive value of 95%. In summary, the available evidence is currently insufficient to determine the role of this variant in disease. Therefore, it has been classified as a Variant of Uncertain Significance.

NM_000053.4(ATP7B):c.989G>A (p.Gly330Glu)

Gene: ATP7B (ATPase copper transporting beta; minus strand). Cytogenetic location: 13q14.3.
Variant type: single nucleotide variant.
Coding change: c.989G>A on transcript NM_000053.4 (MANE Select); coding-DNA position 989, G replaced by A.
Protein change: p.Gly330Glu; replaces glycine 330 with glutamic acid.
Molecular consequence: missense variant. On other transcripts: intron variant (1).
Genome position (GRCh38, 1-based): chr13:51,974,231, C>T on the plus strand (G>A on the coding strand, the complement: ATP7B is on the minus strand). VCF-style: chr13-51974231-C-T. GRCh37 (hg19) VCF-style: chr13-52548367-C-T.
Other names: c.989G>A, p.Gly330Glu (NM_001005918.3, NM_001330578.2, NM_001330579.2 and 29 more transcripts); c.893G>A, p.Gly298Glu (NM_001406517.1, NM_001406518.1, NM_001406530.1 and 3 more transcripts); c.803-147G>A (NM_001243182.2); short protein forms G330E, G298E.
Identifiers: ClinVar variation 2146315 (VCV002146315.2), dbSNP rs754672590, ClinGen allele CA6989462.
Genomic context (GRCh38, chr13:51,974,231, plus strand): 5'-GGTGGGGAGCCAGGGGAATGAGAACTGGAAGACCTGTGATCTGTCCCACTCCCTTCGGCT[C>T]CATCAGGAAGAGAAACTTTAAAATTCCCAGGTGGAAGTGCCTCGATAGCCCTCTGCAGAG-3'
Protein context (NP_000044.2, residues 320-340): PGNFKVSLPD[Gly330Glu]AEGSGTDHRS